The following is an entry in ClinVar:

NM_005359.6(SMAD4):c.697C>A (p.His233Asn)

Gene: SMAD4 (SMAD family member 4; plus strand). Cytogenetic location: 18q21.2.
Variant type: single nucleotide variant.
Coding change: c.697C>A on transcript NM_005359.6 (MANE Select); coding-DNA position 697, C replaced by A.
Protein change: p.His233Asn; replaces histidine 233 with asparagine.
Molecular consequence: missense variant.
Genome position (GRCh38, 1-based): chr18:51,058,154, C>A. VCF-style: chr18-51058154-C-A. GRCh37 (hg19) VCF-style: chr18-48584524-C-A.
Other names: short protein forms H233N.
Identifiers: ClinVar variation 486985 (VCV000486985.15), dbSNP rs552880257, ClinGen allele CA8965890.

ClinVar aggregate classification (germline): Uncertain significance. Review status: criteria provided, multiple submitters, no conflicts (2 of 4 stars). 3 submissions from 3 submitters: Uncertain significance (3). Last evaluated 2024-03-06.

Conditions:
Juvenile polyposis syndrome (JPS). Identifiers: Orphanet 2929, MedGen C0345893, MONDO:0017380, OMIM 174900.
Hereditary cancer-predisposing syndrome. Also called: Tumor predisposition; Neoplastic Syndromes, Hereditary; Hereditary Cancer Syndrome; Hereditary neoplastic syndrome. Identifiers: Orphanet 140162, MedGen C0027672, MeSH D009386, MONDO:0015356.
Familial thoracic aortic aneurysm and aortic dissection (TAAD). Also called: Thoracic aortic aneurysms and dissections. Identifiers: Orphanet 91387, MedGen C4707243, MONDO:0019625.

Allele frequency attached by ClinVar (database versions not stated): gnomAD exomes below 0.00001; ExAC 0.00001; gnomAD 0.00001; 1000 Genomes Project 30x 0.00016; 1000 Genomes Project 0.00020.
gnomAD v4.1: 1 of 1,614,134 alleles (0.000062%); highest among the groups gnomAD compares: African/African-American, 0.0013%; no homozygotes.

Submissions (3):

Color Diagnostics, LLC DBA Color Health
Classification: Uncertain significance for Hereditary cancer-predisposing syndrome. Last evaluated: 2024-03-06. Review status: criteria provided, single submitter. Criteria: ACMG Guidelines, 2015. Collection method: clinical testing. Allele origin: germline.
Comment: This missense variant replaces histidine with asparagine at codon 233 of the SMAD4 protein. Computational prediction suggests that this variant may not impact protein structure and function (internally defined REVEL score threshold <= 0.5, PMID: 27666373). To our knowledge, functional studies have not been reported for this variant. This variant has not been reported in individuals affected with hereditary cancer in the literature. This variant has been identified in 1/251392 chromosomes in the general population by the Genome Aggregation Database (gnomAD). The available evidence is insufficient to determine the role of this variant in disease conclusively. Therefore, this variant is classified as a Variant of Uncertain Significance.

Ambry Genetics
Classification: Uncertain significance for Hereditary cancer-predisposing syndrome; Familial thoracic aortic aneurysm and aortic dissection. Last evaluated: 2024-01-04. Review status: criteria provided, single submitter. Criteria: Ambry Variant Classification Scheme 2023. Collection method: clinical testing. Allele origin: germline.
Comment: The p.H233N variant (also known as c.697C>A), located in coding exon 5 of the SMAD4 gene, results from a C to A substitution at nucleotide position 697. The histidine at codon 233 is replaced by asparagine, an amino acid with similar properties. This amino acid position is highly conserved in available vertebrate species. In addition, the in silico prediction for this alteration is inconclusive. Since supporting evidence is limited at this time, the clinical significance of this alteration remains unclear.

Labcorp Genetics (formerly Invitae), Labcorp
Classification: Uncertain significance for Juvenile polyposis syndrome. Last evaluated: 2023-04-26. Review status: criteria provided, single submitter. Criteria: Invitae Variant Classification Sherloc (09022015). Collection method: clinical testing. Allele origin: germline.
Comment: In summary, the available evidence is currently insufficient to determine the role of this variant in disease. Therefore, it has been classified as a Variant of Uncertain Significance. Advanced modeling of protein sequence and biophysical properties (such as structural, functional, and spatial information, amino acid conservation, physicochemical variation, residue mobility, and thermodynamic stability) performed at Invitae indicates that this missense variant is not expected to disrupt SMAD4 protein function. ClinVar contains an entry for this variant (Variation ID: 486985). This variant has not been reported in the literature in individuals affected with SMAD4-related conditions. This variant is present in population databases (rs552880257, gnomAD 0.007%). This sequence change replaces histidine, which is basic and polar, with asparagine, which is neutral and polar, at codon 233 of the SMAD4 protein (p.His233Asn).